The following is an entry in ClinVar:

ClinVar aggregate classification (germline): Pathogenic (1 of 4 stars; one submission).

Conditions:
Hereditary cancer-predisposing syndrome. Also called: Neoplastic Syndromes, Hereditary; Tumor predisposition; Hereditary neoplastic syndrome; Hereditary Cancer Syndrome. Identifiers: Orphanet 140162, MedGen C0027672, MeSH D009386, MONDO:0015356.

Submission:

Ambry Genetics
Classification: Pathogenic for Hereditary cancer-predisposing syndrome. Last evaluated: 2025-04-30. Review status: criteria provided, single submitter. Criteria: Ambry Variant Classification Scheme 2023. Collection method: clinical testing. Allele origin: germline.
Comment: The c.1072delG pathogenic mutation, located in coding exon 7 of the MEN1 gene, results from a deletion of one nucleotide at nucleotide position 1072, causing a translational frameshift with a predicted alternate stop codon (p.E358Rfs*10). This variant is considered to be rare based on population cohorts in the Genome Aggregation Database (gnomAD). This alteration is expected to result in loss of function by premature protein truncation or nonsense-mediated mRNA decay. As such, this alteration is interpreted as a disease-causing mutation.

NM_001370259.2(MEN1):c.1072del (p.Glu358fs)

Gene: MEN1 (menin 1; minus strand). Cytogenetic location: 11q13.1.
Variant type: Deletion.
Coding change: c.1072del on transcript NM_001370259.2 (MANE Select); coding-DNA position 1072, one base deleted (G; older notation c.1072delG).
Protein change: p.Glu358fs; shifts the reading frame from glutamic acid 358.
Molecular consequence: frameshift variant. On other transcripts: non-coding transcript variant (4).
Genome position (GRCh38, 1-based): chr11:64,805,748, C deleted on the plus strand (G on the coding strand, the reverse complement: MEN1 is on the minus strand). VCF-style (leftmost placement, unchanged base first): chr11-64805747-TC-T. GRCh37 (hg19) VCF-style: chr11-64573219-TC-T.
Other names: c.1072del, p.Glu358fs (NM_001407147.1, NM_001407152.1, NM_130799.3 and 3 more transcripts); c.967del, p.Glu323fs (NM_001407148.1, NM_001407149.1, NM_001370262.2 and 1 more transcripts); c.1213del, p.Glu405fs (NM_001407150.1); c.1093del, p.Glu365fs (NM_001407151.1); c.1087del, p.Glu363fs (NM_130800.3, NM_130801.3, NM_000244.4 and 4 more transcripts); c.1198del, p.Glu400fs (NM_001370251.2, NM_001407142.1, NM_001407143.1 and 1 more transcripts); short protein forms E405fs, E365fs, E323fs, E358fs, E400fs, E363fs.
Identifiers: ClinVar variation 4053796 (VCV004053796.1).